The following is an entry in ClinVar:

NM_002661.5(PLCG2):c.1978C>A (p.Leu660Met)

Gene: PLCG2 (phospholipase C gamma 2; plus strand). Cytogenetic location: 16q23.3.
Variant type: single nucleotide variant.
Coding change: c.1978C>A on transcript NM_002661.5 (MANE Select); coding-DNA position 1978, C replaced by A.
Protein change: p.Leu660Met; replaces leucine 660 with methionine.
Molecular consequence: missense variant.
Genome position (GRCh38, 1-based): chr16:81,912,640, C>A. VCF-style: chr16-81912640-C-A. GRCh37 (hg19) VCF-style: chr16-81946245-C-A.
Other names: c.1978C>A, p.Leu660Met (NM_001425749.1, NM_001425750.1, NM_001425751.1); short protein forms L660M.
Identifiers: ClinVar variation 4734601 (VCV004734601.1).

ClinVar aggregate classification (germline): Uncertain significance (1 of 4 stars; one submission).

Conditions:
Familial cold autoinflammatory syndrome 3 (FCAS3). Also called: FAMILIAL ATYPICAL COLD URTICARIA; ANTIBODY DEFICIENCY AND IMMUNE DYSREGULATION, PLCG2-ASSOCIATED. Identifiers: Orphanet 300359, MedGen C3280914, MONDO:0013766, OMIM 614468.

gnomAD v4.1: 1 of 1,613,344 alleles (0.000062%); highest among the groups gnomAD compares: Non-Finnish European, 0.000085%; no homozygotes.

Submission:

Labcorp Genetics (formerly Invitae), Labcorp
Classification: Uncertain significance for Familial cold autoinflammatory syndrome 3. Last evaluated: 2026-01-07. Review status: criteria provided, single submitter. Criteria: Invitae Variant Classification Sherloc (09022015). Collection method: clinical testing. Allele origin: germline.
Comment: This sequence change replaces leucine, which is neutral and non-polar, with methionine, which is neutral and non-polar, at codon 660 of the PLCG2 protein (p.Leu660Met). This variant is not present in population databases (gnomAD no frequency). This variant has not been reported in the literature in individuals affected with PLCG2-related conditions. An algorithm developed to predict the effect of missense changes on protein structure and function (PolyPhen-2) suggests that this variant is likely to be disruptive. In summary, the available evidence is currently insufficient to determine the role of this variant in disease. Therefore, it has been classified as a Variant of Uncertain Significance.